The following is an entry in ClinVar:

NM_001166108.2(PALLD):c.1546G>T (p.Ala516Ser)

Gene: PALLD (palladin, cytoskeletal associated protein; plus strand). Cytogenetic location: 4q32.3.
Variant type: single nucleotide variant.
Coding change: c.1546G>T on transcript NM_001166108.2 (MANE Select); coding-DNA position 1546, G replaced by T.
Protein change: p.Ala516Ser; replaces alanine 516 with serine.
Molecular consequence: missense variant.
Genome position (GRCh38, 1-based): chr4:168,709,072, G>T. VCF-style: chr4-168709072-G-T. GRCh37 (hg19) VCF-style: chr4-169630223-G-T.
Other names: c.400G>T, p.Ala134Ser (NM_001166109.2); c.1546G>T, p.Ala516Ser (NM_016081.4); short protein forms A134S, A516S.
Identifiers: ClinVar variation 1774949 (VCV001774949.3), dbSNP rs188921921, ClinGen allele CA110496992.
Genomic context (GRCh38, chr4:168,709,072, plus strand): 5'-TTCTCTTCACTTCCAGAGGAGATTTGCACCCTAGTTATCGCTGAGACTTTCCCTGAAGAT[G>T]CAGGGATCTTTACATGTTCAGCAAGAAATGATTATGGATCAGCAACCAGCACTGCCCAGC-3'
Protein context (NP_001159580.1, residues 506-526): LVIAETFPED[Ala516Ser]GIFTCSARND

ClinVar aggregate classification (germline): Uncertain significance (1 of 4 stars; one submission).

gnomAD v4.1: 2 of 1,610,288 alleles (0.00012%); highest among the groups gnomAD compares: East Asian, 0.0022%; no homozygotes.

Submission:

Ambry Genetics
Classification: Uncertain significance. Last evaluated: 2024-05-09. Review status: criteria provided, single submitter. Criteria: Ambry Variant Classification Scheme 2023. Collection method: clinical testing. Allele origin: germline.
Comment: The p.A516S variant (also known as c.1546G>T), located in coding exon 8 of the PALLD gene, results from a G to T substitution at nucleotide position 1546. The alanine at codon 516 is replaced by serine, an amino acid with similar properties. This amino acid position is conserved. In addition, this alteration is predicted to be tolerated by in silico analysis. Since supporting evidence is limited at this time, the clinical significance of this alteration remains unclear.